The following is an entry in ClinVar:

ClinVar aggregate classification (germline): Conflicting classifications of pathogenicity. Review status: criteria provided, conflicting classifications (1 of 4 stars). 6 submissions from 5 submitters: Uncertain significance (4); Likely benign (2). Last evaluated 2025-09-25.

Conditions:
Cardiovascular phenotype. Identifiers: MedGen CN230736.
Hypercholesterolemia, autosomal dominant, type B (FHCL2). Also called: APOB-Related Familial Hypercholesterolemia, Autosomal Dominant; Hyperlipoproteinemia Type IIb; Familial Hypercholesterolemia Type B; APOLIPOPROTEIN B-100, FAMILIAL DEFECTIVE; APOLIPOPROTEIN B-100, FAMILIAL LIGAND-DEFECTIVE; Familial hypercholesterolemia 2. Identifiers: MedGen C1704417, MONDO:0007751, OMIM 144010.
Familial hypobetalipoproteinemia 1. Also called: APOB-Related Familial Hypobetalipoproteinemia; Hypobetalipoproteinemia, normotriglyceridemic; Acanthocytosis with hypobetalipoproteinemia. Identifiers: MedGen C4551990, MONDO:0014252, OMIM 615558.

Allele frequency attached by ClinVar (database versions not stated): gnomAD exomes 0.00003; gnomAD 0.00005; ESP Exome Variant Server 0.00008; TOPMed 0.00001; ExAC 0.00003.
gnomAD v4.1: 90 of 1,602,590 alleles (0.0056%); highest among the groups gnomAD compares: Non-Finnish European, 0.0064%; no homozygotes.

Submissions (6):

Labcorp Genetics (formerly Invitae), Labcorp
Classification: Likely benign for Familial hypobetalipoproteinemia 1; Hypercholesterolemia, autosomal dominant, type B. Last evaluated: 2025-09-25. Review status: criteria provided, single submitter. Criteria: Invitae Variant Classification Sherloc (09022015). Collection method: clinical testing. Allele origin: germline.

GeneDx
Classification: Uncertain significance. Last evaluated: 2025-01-10. Review status: criteria provided, single submitter. Criteria: GeneDx Variant Classification Process June 2021. Collection method: clinical testing. Allele origin: germline. Affected: yes.
Comment: In silico analysis supports that this missense variant has a deleterious effect on protein structure/function; Has not been previously published as pathogenic or benign to our knowledge

Ambry Genetics
Classification: Likely benign for Cardiovascular phenotype. Last evaluated: 2024-08-29. Review status: criteria provided, single submitter. Criteria: Ambry Variant Classification Scheme 2023. Collection method: clinical testing. Allele origin: germline.

Illumina Laboratory Services, Illumina
Classification: Uncertain significance for Hypercholesterolemia, autosomal dominant, type B. Last evaluated: 2018-01-13. Review status: criteria provided, single submitter. Criteria: ICSL Variant Classification Criteria 13 December 2019. Collection method: clinical testing. Allele origin: germline.

Illumina Laboratory Services, Illumina
Classification: Uncertain significance for Familial hypobetalipoproteinemia 1. Last evaluated: 2018-01-13. Review status: criteria provided, single submitter. Criteria: ICSL Variant Classification Criteria 13 December 2019. Collection method: clinical testing. Allele origin: germline.

Breakthrough Genomics
Classification: Uncertain significance. Review status: criteria provided, single submitter. Criteria: ACMG Guidelines, 2015. Collection method: not provided. Allele origin: germline. Inheritance: Autosomal recessive inheritance. Affected: yes.

NM_000384.3(APOB):c.13022T>A (p.Ile4341Asn)

Gene: APOB (apolipoprotein B; minus strand). Cytogenetic location: 2p24.1.
Variant type: single nucleotide variant.
Coding change: c.13022T>A on transcript NM_000384.3 (MANE Select); coding-DNA position 13022, T replaced by A.
Protein change: p.Ile4341Asn; replaces isoleucine 4341 with asparagine.
Molecular consequence: missense variant.
Genome position (GRCh38, 1-based): chr2:21,002,400, A>T on the plus strand (T>A on the coding strand, the complement: APOB is on the minus strand). VCF-style: chr2-21002400-A-T. GRCh37 (hg19) VCF-style: chr2-21225272-A-T.
Other names: short protein forms I4341N.
Identifiers: ClinVar variation 627769 (VCV000627769.23), dbSNP rs144018015, ClinGen allele CA051712.